The following is an entry in ClinVar:

ClinVar aggregate classification (germline): Uncertain significance (1 of 4 stars; one submission).

Allele frequency attached by ClinVar (database versions not stated): ExAC 0.00001; gnomAD exomes 0.00001; gnomAD 0.00002; TOPMed 0.00002.
gnomAD v4.1: 20 of 1,613,692 alleles (0.0012%); highest among the groups gnomAD compares: South Asian, 0.0044%; no homozygotes.

Submission:

Labcorp Genetics (formerly Invitae), Labcorp
Classification: Uncertain significance. Last evaluated: 2024-06-03. Review status: criteria provided, single submitter. Criteria: Invitae Variant Classification Sherloc (09022015). Collection method: clinical testing. Allele origin: germline.
Comment: This sequence change replaces glycine, which is neutral and non-polar, with serine, which is neutral and polar, at codon 187 of the DNAJB13 protein (p.Gly187Ser). This variant is present in population databases (rs759748101, gnomAD 0.007%). This variant has not been reported in the literature in individuals affected with DNAJB13-related conditions. Advanced modeling of protein sequence and biophysical properties (such as structural, functional, and spatial information, amino acid conservation, physicochemical variation, residue mobility, and thermodynamic stability) performed at Invitae indicates that this missense variant is expected to disrupt DNAJB13 protein function with a positive predictive value of 80%. In summary, the available evidence is currently insufficient to determine the role of this variant in disease. Therefore, it has been classified as a Variant of Uncertain Significance.

NM_153614.4(DNAJB13):c.559G>A (p.Gly187Ser)

Gene: DNAJB13 (DnaJ heat shock protein family (Hsp40) member B13; plus strand). Cytogenetic location: 11q13.4.
Variant type: single nucleotide variant.
Coding change: c.559G>A on transcript NM_153614.4 (MANE Select); coding-DNA position 559, G replaced by A.
Protein change: p.Gly187Ser; replaces glycine 187 with serine.
Molecular consequence: missense variant.
Genome position (GRCh38, 1-based): chr11:73,966,204, G>A. VCF-style: chr11-73966204-G-A. GRCh37 (hg19) VCF-style: chr11-73677249-G-A.
Other names: c.385G>A, p.Gly129Ser (NM_001377263.1); short protein forms G129S, G187S.
Identifiers: ClinVar variation 3004885 (VCV003004885.3), dbSNP rs759748101, ClinGen allele CA6180800.
Genomic context (GRCh38, chr11:73,966,204, plus strand): 5'-AACGAGGATGGGTACTCCTCCACCATCAAGGACAAGATCCTGACCATTGATGTGAAGCCC[G>A]GTTGGAGGCAGGGCACACGCATCACCTTTGAGAAGGAAGGGGACCAGGTGAGGGGGGAAG-3'
Protein context (NP_705842.2, residues 177-197): DKILTIDVKP[Gly187Ser]WRQGTRITFE